The following is an entry in ClinVar:

NM_001085049.3(MRAS):c.334C>T (p.Arg112Cys)

Gene: MRAS (muscle RAS oncogene homolog; plus strand). Cytogenetic location: 3q22.3.
Variant type: single nucleotide variant.
Coding change: c.334C>T on transcript NM_001085049.3 (MANE Select); coding-DNA position 334, C replaced by T.
Protein change: p.Arg112Cys; replaces arginine 112 with cysteine.
Molecular consequence: missense variant.
Genome position (GRCh38, 1-based): chr3:138,397,464, C>T. VCF-style: chr3-138397464-C-T. GRCh37 (hg19) VCF-style: chr3-138116306-C-T.
Other names: c.334C>T, p.Arg112Cys (NM_001252090.2, NM_012219.4); c.106C>T, p.Arg36Cys (NM_001252091.1, NM_001252092.2, NM_001252093.2); short protein forms R112C, R36C.
Identifiers: ClinVar variation 2105633 (VCV002105633.4), dbSNP rs2474153179, ClinGen allele CA354673305.

ClinVar aggregate classification (germline): Uncertain significance (1 of 4 stars; one submission).

gnomAD v4.1: 2 of 1,614,074 alleles (0.00012%); highest among the groups gnomAD compares: South Asian, 0.0011%; no homozygotes.

Submission:

Labcorp Genetics (formerly Invitae), Labcorp
Classification: Uncertain significance. Last evaluated: 2022-03-02. Review status: criteria provided, single submitter. Criteria: Invitae Variant Classification Sherloc (09022015). Collection method: clinical testing. Allele origin: germline.
Comment: Algorithms developed to predict the effect of missense changes on protein structure and function (SIFT, PolyPhen-2, Align-GVGD) all suggest that this variant is likely to be disruptive. In summary, the available evidence is currently insufficient to determine the role of this variant in disease. Therefore, it has been classified as a Variant of Uncertain Significance. This variant has not been reported in the literature in individuals affected with MRAS-related conditions. This variant is not present in population databases (gnomAD no frequency). This sequence change replaces arginine, which is basic and polar, with cysteine, which is neutral and slightly polar, at codon 112 of the MRAS protein (p.Arg112Cys).